The following is an entry in ClinVar:

ClinVar aggregate classification (germline): Uncertain significance (1 of 4 stars; one submission).

Submission:

Labcorp Genetics (formerly Invitae), Labcorp
Classification: Uncertain significance. Last evaluated: 2022-07-15. Review status: criteria provided, single submitter. Criteria: Invitae Variant Classification Sherloc (09022015). Collection method: clinical testing. Allele origin: germline.
Comment: In summary, the available evidence is currently insufficient to determine the role of this variant in disease. Therefore, it has been classified as a Variant of Uncertain Significance. Variants that disrupt the consensus splice site are a relatively common cause of aberrant splicing (PMID: 17576681, 9536098). Algorithms developed to predict the effect of sequence changes on RNA splicing suggest that this variant may disrupt the consensus splice site. Algorithms developed to predict the effect of missense changes on protein structure and function are either unavailable or do not agree on the potential impact of this missense change (SIFT: "Tolerated"; PolyPhen-2: "Probably Damaging"; Align-GVGD: "Class C0"). This variant has not been reported in the literature in individuals affected with EIF2B4-related conditions. This variant is not present in population databases (gnomAD no frequency). This sequence change replaces aspartic acid, which is acidic and polar, with histidine, which is basic and polar, at codon 11 of the EIF2B4 protein (p.Asp11His). This variant also falls at the last nucleotide of exon 1, which is part of the consensus splice site for this exon.

Literature cited by the submitters: PubMed 17576681; PubMed 9536098.

NM_001034116.2(EIF2B4):c.31G>C (p.Asp11His)

Gene: EIF2B4 (eukaryotic translation initiation factor 2B subunit delta; minus strand). Cytogenetic location: 2p23.3.
Variant type: single nucleotide variant.
Coding change: c.31G>C on transcript NM_001034116.2 (MANE Select); coding-DNA position 31, G replaced by C.
Protein change: p.Asp11His; replaces aspartic acid 11 with histidine.
Molecular consequence: missense variant. On other transcripts: 5 prime UTR variant (3).
Genome position (GRCh38, 1-based): chr2:27,370,284, C>G on the plus strand (G>C on the coding strand, the complement: EIF2B4 is on the minus strand). VCF-style: chr2-27370284-C-G. GRCh37 (hg19) VCF-style: chr2-27593151-C-G.
Other names: c.-193G>C (NM_001318966.2); c.-56G>C (NM_001318967.2); c.-562G>C (NM_001318969.2); c.31G>C, p.Asp11His (NM_015636.4); short protein forms D11H.
Identifiers: ClinVar variation 2017314 (VCV002017314.4), dbSNP rs1449857863, ClinGen allele CA346204418.
Genomic context (GRCh38, chr2:27,370,284, plus strand): 5'-CTAGCTGTCCGGAGCTCGTCGGCTCCGCGTACCAGTAGGCAGGCCCGGCTCTTCACTCAC[C>G]CTCGCGAACAGCCACGGCCACAGCAGCCATCGCCCTCAGTCCTAGGCTCCGCCCGCCGTG-3'
Protein context (NP_001029288.1, residues 1-21): MAAVAVAVRE[Asp11His]SGSGMKAELP